The following is an entry in ClinVar:

NM_000059.4(BRCA2):c.2802dup (p.Asp935Ter)

Gene: BRCA2 (BRCA2 DNA repair associated; plus strand). Cytogenetic location: 13q13.1.
Variant type: Duplication.
Coding change: c.2802dup on transcript NM_000059.4 (MANE Select); coding-DNA position 2802, one base duplicated (T; older notation c.2802dupT).
Protein change: p.Asp935Ter; replaces aspartic acid 935 with a stop codon.
Molecular consequence: nonsense. On other transcripts: non-coding transcript variant (1), intron variant (2).
Genome position (GRCh38, 1-based): chr13:32,337,157, T duplicated. VCF-style (leftmost placement, unchanged base first): chr13-32337156-G-GT. GRCh37 (hg19) VCF-style: chr13-32911293-G-GT.
Other names: c.2802dup, p.Asp935Ter (NM_001406719.1, NM_001406720.1); c.1909+3770dup (NM_001406721.1); c.424+6127dup (NM_001406722.1); short protein forms D935*.
Identifiers: ClinVar variation 2573262 (VCV002573262.1), dbSNP rs2548524674, ClinGen allele CA2580614676.
Genomic context (GRCh38, chr13:32,337,156, plus strand): 5'-TGACTTGTGTAAACGAACCCATTTTCAAGAACTCTACCATGGTTTTATATGGAGACACAG[G>GT]TGATAAACAAGCAACCCAAGTGTCAATTAAAAAAGATTTGGTTTATGTTCTTGCAGAGGA-3'

ClinVar aggregate classification (germline): Pathogenic (1 of 4 stars; one submission).

Conditions:
Breast-ovarian cancer, familial, susceptibility to, 2 (BROVCA2). Also called: BRCA2 Hereditary Breast and Ovarian Cancer. Identifiers: Orphanet 145, MedGen C2675520, MONDO:0012933, OMIM 612555. Disease mechanism: loss of function.

Submission:

Myriad Genetics, Inc.
Classification: Pathogenic for Breast-ovarian cancer, familial, susceptibility to, 2. Last evaluated: 2023-02-15. Review status: criteria provided, single submitter. Criteria: Myriad Autosomal Dominant, Autosomal Recessive and X-Linked Classification Criteria (2023). Collection method: clinical testing. Allele origin: unknown.
Comment: This variant is considered pathogenic. This variant creates a termination codon and is predicted to result in premature protein truncation.